The following is an entry in ClinVar:

ClinVar aggregate classification (germline): Pathogenic (1 of 4 stars; one submission).

Conditions:
Ataxia-telangiectasia syndrome (AT). Also called: LOUIS-BAR SYNDROME; Cerebello-oculocutaneous telangiectasia; Immunodeficiency with ataxia telangiectasia; ATAXIA-TELANGIECTASIA, COMPLEMENTATION GROUP A; ATAXIA-TELANGIECTASIA, FRESNO VARIANT; Ataxia-telangiectasia. Identifiers: Orphanet 100, MedGen C0004135, MONDO:0008840, OMIM 208900.

Submission:

Regional Center For Medical Genetics Timis, Louis Turcanu Emergency Hospital for Children Timisoara
Classification: Pathogenic for Ataxia-telangiectasia. Last evaluated: 2025-01-12. Review status: criteria provided, single submitter. Criteria: ACMG Guidelines, 2015. Collection method: clinical testing. Allele origin: germline. Affected: yes. Observed: 1 variant allele.
Comment: This variant has not been previously reported in healthy population databases (gnomAD v4.1.0). This variant leads to frameshift and protein truncation within FATKIN domain and is estimated to associate loss of function. LOF ATM variants are known to be pathogenic. Therefore, this variant was classified as pathogenic, according to ACMG and ClinGen classifications (PVS1, PM2_Supporting, PM3_Supporting)

NM_000051.4(ATM):c.6666_6668delinsAG (p.Ile2223fs)

Genes: ATM (ATM serine/threonine kinase; plus strand), C11orf65 (chromosome 11 open reading frame 65; minus strand). Cytogenetic location: 11q22.3.
Variant type: Indel.
Coding change: c.6666_6668delinsAG on transcript NM_000051.4 (MANE Select); coding-DNA positions 6666 to 6668, TAT replaced by AG.
Protein change: p.Ile2223fs; shifts the reading frame from isoleucine 2223.
Molecular consequence: frameshift variant. On other transcripts: intron variant (2).
Genome position (GRCh38, 1-based): chr11:108,325,403-108,325,405, TAT replaced by AG. VCF-style: chr11-108325403-TAT-AG. GRCh37 (hg19) VCF-style: chr11-108196130-TAT-AG.
Other names: c.6666_6668delinsAG, p.Ile2223fs (NM_001351834.2); c.641-16334_641-16332delinsCT (NM_001330368.2); c.*38+9815_*38+9817delinsCT (NM_001351110.2); short protein forms I2223fs.
Identifiers: ClinVar variation 3572950 (VCV003572950.1).